The following is an entry in ClinVar:

NM_005334.3(HCFC1):c.3734C>G (p.Ser1245Cys)

Gene: HCFC1 (host cell factor C1; minus strand). Cytogenetic location: Xq28.
Variant type: single nucleotide variant.
Coding change: c.3734C>G on transcript NM_005334.3 (MANE Select); coding-DNA position 3734, C replaced by G.
Protein change: p.Ser1245Cys; replaces serine 1245 with cysteine.
Molecular consequence: missense variant.
Genome position (GRCh38, 1-based): chrX:153,954,665, G>C on the plus strand (C>G on the coding strand, the complement: HCFC1 is on the minus strand). VCF-style: chrX-153954665-G-C. GRCh37 (hg19) VCF-style: chrX-153220116-G-C.
Other names: c.3734C>G, p.Ser1245Cys (NM_001410705.1); short protein forms S1245C.
Identifiers: ClinVar variation 2730954 (VCV002730954.5), dbSNP rs782480232, ClinGen allele CA10557140.

ClinVar aggregate classification (germline): Benign/Likely benign. Review status: criteria provided, multiple submitters, no conflicts (2 of 4 stars). 2 submissions from 2 submitters: Benign (1); Likely benign (1). Last evaluated 2026-01-28.

Conditions:
Methylmalonic acidemia with homocystinuria, type cblX (MAHCX). Also called: INTELLECTUAL DEVELOPMENTAL DISORDER, X-LINKED 3. Identifiers: Orphanet 369962, MedGen C0796208, MONDO:0010657, OMIM 309541.

Allele frequency attached by ClinVar (database versions not stated): 1000 Genomes Project 30x 0.00021; TOPMed 0.00003; 1000 Genomes Project 0.00026.
gnomAD v4.1: 20 of 1,206,332 alleles (0.0017%); highest among the groups gnomAD compares: East Asian, 0.048%; no homozygotes.

Submissions (2):

Labcorp Genetics (formerly Invitae), Labcorp
Classification: Benign for Methylmalonic acidemia with homocystinuria, type cblX. Last evaluated: 2026-01-28. Review status: criteria provided, single submitter. Criteria: Invitae Variant Classification Sherloc (09022015). Collection method: clinical testing. Allele origin: germline.

Women's Health and Genetics/Laboratory Corporation of America, LabCorp
Classification: Likely benign. Last evaluated: 2024-03-22. Review status: criteria provided, single submitter. Criteria: LabCorp Variant Classification Summary - May 2015. Collection method: clinical testing. Allele origin: germline.
Comment: Variant summary: HCFC1 c.3734C>G (p.Ser1245Cys) results in a non-conservative amino acid change in the encoded protein sequence. Three of five in-silico tools predict a damaging effect of the variant on protein function. The variant allele was found at a frequency of 6.3e-05 in 189,199 control chromosomes, predominantly at a frequency of 0.00071 within the East Asian subpopulation in the gnomAD database , including 6 hemizygotes. The observed variant frequency within East Asian control individuals in the gnomAD database is approximately 2-fold of the estimated maximal expected allele frequency for a pathogenic variant in HCFC1 causing Methylmalonic Acidemia With Homocystinuria phenotype (0.00035), strongly suggesting that the variant is a benign polymorphism found primarily in populations of East Asian origin. The variant, c.3734C>G, has been reported in a patient affected with epilepsy, however without providing strong evidence for causality (He_2023). These report(s) do not provide unequivocal conclusions about association of the variant with Methylmalonic Acidemia With Homocystinuria. To our knowledge, no experimental evidence demonstrating an impact on protein function has been reported. The following publication have been ascertained in the context of this evaluation (PMID: 37264743). ClinVar contains an entry for this variant (Variation ID: 2730954). Based on the evidence outlined above, the variant was classified as likely benign.

Literature cited by the submitters: PubMed 37264743 (cited by Women's Health and Genetics/Laboratory Corporation of America, LabCorp).